The following is an entry in ClinVar:

ClinVar aggregate classification (germline): Uncertain significance (1 of 4 stars; one submission).

Conditions:
Niemann-Pick disease, type C1. Also called: NIEMANN-PICK DISEASE, VARIANT TYPE C1; NEUROVISCERAL STORAGE DISEASE WITH VERTICAL SUPRANUCLEAR OPHTHALMOPLEGIA; NIEMANN-PICK DISEASE WITH CHOLESTEROL ESTERIFICATION BLOCK; NIEMANN-PICK DISEASE WITHOUT SPHINGOMYELINASE DEFICIENCY; NIEMANN-PICK DISEASE, CHRONIC NEURONOPATHIC FORM. Identifiers: Orphanet 646, MedGen C3179455, MONDO:0009757, OMIM 257220.

Submission:

Labcorp Genetics (formerly Invitae), Labcorp
Classification: Uncertain significance for Niemann-Pick disease, type C1. Last evaluated: 2024-10-16. Review status: criteria provided, single submitter. Criteria: Invitae Variant Classification Sherloc (09022015). Collection method: clinical testing. Allele origin: germline.
Comment: This sequence change replaces leucine, which is neutral and non-polar, with glutamine, which is neutral and polar, at codon 919 of the NPC1 protein (p.Leu919Gln). This variant is not present in population databases (gnomAD no frequency). This variant has not been reported in the literature in individuals affected with NPC1-related conditions. ClinVar contains an entry for this variant (Variation ID: 2121442). Invitae Evidence Modeling of protein sequence and biophysical properties (such as structural, functional, and spatial information, amino acid conservation, physicochemical variation, residue mobility, and thermodynamic stability) indicates that this missense variant is expected to disrupt NPC1 protein function with a positive predictive value of 95%. Algorithms developed to predict the effect of sequence changes on RNA splicing suggest that this variant may create or strengthen a splice site. In summary, the available evidence is currently insufficient to determine the role of this variant in disease. Therefore, it has been classified as a Variant of Uncertain Significance.

NM_000271.5(NPC1):c.2756T>A (p.Leu919Gln)

Gene: NPC1 (NPC intracellular cholesterol transporter 1; minus strand). Cytogenetic location: 18q11.2.
Variant type: single nucleotide variant.
Coding change: c.2756T>A on transcript NM_000271.5 (MANE Select); coding-DNA position 2756, T replaced by A.
Protein change: p.Leu919Gln; replaces leucine 919 with glutamine.
Molecular consequence: missense variant.
Genome position (GRCh38, 1-based): chr18:23,539,850, A>T on the plus strand (T>A on the coding strand, the complement: NPC1 is on the minus strand). VCF-style: chr18-23539850-A-T. GRCh37 (hg19) VCF-style: chr18-21119814-A-T.
Other names: short protein forms L919Q.
Identifiers: ClinVar variation 2121442 (VCV002121442.4), dbSNP rs2511213445, ClinGen allele CA401792713.